The following is an entry in ClinVar:

NM_015506.3(MMACHC):c.2T>C (p.Met1Thr)

Gene: MMACHC (metabolism of cobalamin associated C; plus strand). Cytogenetic location: 1p34.1.
Variant type: single nucleotide variant.
Coding change: c.2T>C on transcript NM_015506.3 (MANE Select); coding-DNA position 2, T replaced by C.
Protein change: p.Met1Thr; changes the start codon (methionine 1).
Molecular consequence: missense variant, initiator codon variant. On other transcripts: 5 prime UTR variant (1).
Genome position (GRCh38, 1-based): chr1:45,500,334, T>C. VCF-style: chr1-45500334-T-C. GRCh37 (hg19) VCF-style: chr1-45966006-T-C.
Other names: c.-221T>C (NM_001330540.2); short protein forms M1T.
Identifiers: ClinVar variation 556190 (VCV000556190.13), dbSNP rs574983400, ClinGen allele CA21825904.
Genomic context (GRCh38, chr1:45,500,334, plus strand): 5'-AACGGCCCAATTGTCCTTGAGACTTCATTCCCCAGCAAGCTCAGCGTGTAACGTGCGCTA[T>C]GGAGCCGAAAGTCGCAGAGCTGAAGCAGAAGATCGAGGACACGCTATGTCCTTTTGGCTT-3'
Protein context (NP_056321.2, residues 1-11): [Met1Thr]EPKVAELKQK

ClinVar aggregate classification (germline): Pathogenic/Likely pathogenic. Review status: criteria provided, multiple submitters, no conflicts (2 of 4 stars). 4 submissions from 4 submitters: Pathogenic (1); Likely pathogenic (2). 1 of the submissions does not count toward it. Last evaluated 2023-10-26.

Conditions:
Cobalamin C disease. Also called: Methylmalonic aciduria and homocystinuria, Vitamin B12-responsive; Vitamin B12 metabolic defect with combined deficiency of methylmalonyl-CoA mutase and homocysteine:methyltetrahydrofolate methyltransferase; methylmalonic aciduria and homocystinuria type cblC; Methylmalonic aciduria with homocystinuria cblC type; Cobalamin-C methylmalonic acidemia and homocystinuria; Methylmalonic acidemia and homocystinuria cblC type. Identifiers: Orphanet 26, Orphanet 79282, MedGen C1848561, MONDO:0010184, OMIM 277400.

Allele frequency attached by ClinVar (database versions not stated): 1000 Genomes Project 30x 0.00016; 1000 Genomes Project 0.00020.

Submissions (4):

Labcorp Genetics (formerly Invitae), Labcorp
Classification: Pathogenic for Cobalamin C disease. Last evaluated: 2023-10-26. Review status: criteria provided, single submitter. Criteria: Invitae Variant Classification Sherloc (09022015). Collection method: clinical testing. Allele origin: germline.
Comment: This sequence change affects the initiator methionine of the MMACHC mRNA. The next in-frame methionine is located at codon 58. This variant is not present in population databases (gnomAD no frequency). Disruption of the initiator codon has been observed in individuals with combined methylmalonic aciduria and homocystinuria (PMID: 16311595, 18164228, 19760748). ClinVar contains an entry for this variant (Variation ID: 556190). For these reasons, this variant has been classified as Pathogenic.

Genome-Nilou Lab
Classification: Likely pathogenic for Cobalamin C disease. Last evaluated: 2023-04-11. Review status: criteria provided, single submitter. Criteria: ACMG Guidelines, 2015. Collection method: clinical testing. Allele origin: germline. Affected: no.

Revvity Omics, Revvity
Classification: Likely pathogenic for Cobalamin C disease. Last evaluated: 2019-11-07. Review status: criteria provided, single submitter. Criteria: ACMG Guidelines, 2015. Collection method: clinical testing. Allele origin: germline.

Counsyl
Classification: Likely pathogenic for Cobalamin C disease. Last evaluated: 2018-01-17. Review status: no assertion criteria provided. Collection method: clinical testing. Allele origin: unknown. Not counted in ClinVar's aggregate classification.

Literature cited by the submitters: PubMed 16311595 (cited by Labcorp Genetics (formerly Invitae), Labcorp); PubMed 18164228 (cited by Labcorp Genetics (formerly Invitae), Labcorp); PubMed 19760748 (cited by Labcorp Genetics (formerly Invitae), Labcorp).